The following is an entry in ClinVar:

ClinVar aggregate classification (germline): Pathogenic (1 of 4 stars; one submission).

Conditions:
Autosomal recessive nonsyndromic hearing loss 77. Identifiers: Orphanet 90636, MedGen C2746083, MONDO:0013119, OMIM 613079.

Submission:

Myriad Genetics, Inc.
Classification: Pathogenic for Autosomal recessive nonsyndromic hearing loss 77. Last evaluated: 2024-11-03. Review status: criteria provided, single submitter. Criteria: Myriad Autosomal Dominant, Autosomal Recessive and X-Linked Classification Criteria (2023). Collection method: clinical testing. Allele origin: unknown.
Comment: NM_144612.6(LOXHD1):c.4623C>A(Y1541*) is expected to be pathogenic in the context of nonsyndromic hearing loss, LOXHD1-related. This variant is predicted to lead to an abnormal or absent protein product due to the creation of a premature termination codon in LOXHD1, a gene where loss-of-function variants are known to be pathogenic. Please note: this variant was assessed in the context of healthy population screening.

NM_001384474.1(LOXHD1):c.4623C>A (p.Tyr1541Ter)

Gene: LOXHD1 (lipoxygenase homology PLAT domains 1; minus strand). Cytogenetic location: 18q21.1.
Variant type: single nucleotide variant.
Coding change: c.4623C>A on transcript NM_001384474.1 (MANE Select); coding-DNA position 4623, C replaced by A.
Protein change: p.Tyr1541Ter; replaces tyrosine 1541 with a stop codon.
Molecular consequence: nonsense.
Genome position (GRCh38, 1-based): chr18:46,524,825, G>T on the plus strand (C>A on the coding strand, the complement: LOXHD1 is on the minus strand). VCF-style: chr18-46524825-G-T. GRCh37 (hg19) VCF-style: chr18-44104788-G-T.
Other names: c.1290C>A, p.Tyr430Ter (NM_001145472.3); c.1002C>A, p.Tyr334Ter (NM_001308013.2); c.4623C>A, p.Tyr1541Ter (NM_144612.7); short protein forms Y1541*, Y334*, Y430*.
Identifiers: ClinVar variation 5013703 (VCV005013703.1).
Genomic context (GRCh38, chr18:46,524,825, plus strand): 5'-CCCGCATAGGAACAGGAACTCGTCCTCGTTGGTGTCATTCCAGATCTCCACCTTCTCCAC[G>T]TACCAGTCTGCGCACCACTTGGAGTTGTCATGGCGGAGCTTGATCTTGTAGATGACGCCT-3'